The following is an entry in ClinVar:

ClinVar aggregate classification (germline): Benign (1 of 4 stars; one submission).

Allele frequency attached by ClinVar (database versions not stated): ESP Exome Variant Server 0.00008; gnomAD exomes 0.00016 and 0.00047; ExAC 0.00026; TOPMed 0.00028; gnomAD 0.00029 and 0.00031.
gnomAD v4.1: 299 of 1,614,132 alleles (0.019%); highest among the groups gnomAD compares: Admixed American, 0.015%; 4 homozygotes.

Submission:

Laboratory for Molecular Medicine, Mass General Brigham Personalized Medicine
Classification: Benign. Last evaluated: 2018-11-21. Review status: criteria provided, single submitter. Criteria: LMM Criteria. Collection method: clinical testing. Allele origin: germline. Observed: 1 variant allele.
Comment: The p.Asp85Asn variant in LRTOMT is classified as benign because it has been ide ntified in 0.9% (96/10370) of Ashkenazi Jewish chromosomes by gnomAD. ACMG/AMP Criteria applied: BA1.

NM_145309.6(LRTOMT):c.253G>A (p.Asp85Asn)

Genes: LRRC51 (leucine rich repeat containing 51; plus strand), LRTOMT (leucine rich transmembrane and O-methyltransferase domain containing; plus strand). Cytogenetic location: 11q13.4.
Variant type: single nucleotide variant.
Coding change: c.253G>A on transcript NM_145309.6 (MANE Select); coding-DNA position 253, G replaced by A.
Protein change: p.Asp85Asn; replaces aspartic acid 85 with asparagine.
Molecular consequence: missense variant. On other transcripts: 5 prime UTR variant (3), non-coding transcript variant (2).
Genome position (GRCh38, 1-based): chr11:72,093,666, G>A. VCF-style: chr11-72093666-G-A. GRCh37 (hg19) VCF-style: chr11-71804712-G-A.
Other names: c.253G>A, p.Asp85Asn (NM_001145307.5, NM_001271471.3, NM_001318803.2); c.-151G>A (NM_001145308.5, NM_001145309.4, NM_001145310.4); c.199G>A, p.Asp67Asn (NM_001205138.4); short protein forms D67N, D85N.
Identifiers: ClinVar variation 666628 (VCV000666628.4), dbSNP rs151016482, ClinGen allele CA6168177.
Genomic context (GRCh38, chr11:72,093,666, plus strand): 5'-AGAGACTTCAACCAGGTGGCTTCACAGCTGTTGGAGCACCCAGAGAACCTGGCCTGGATC[G>A]ACCTGTCCTTTAATGACCTGACTTCCATTGACCCTGTGAGTTCCTAACAGTAGGAATCCA-3'
Protein context (NP_660352.1, residues 75-95): LEHPENLAWI[Asp85Asn]LSFNDLTSID